The following is an entry in ClinVar:

ClinVar aggregate classification (germline): Uncertain significance (1 of 4 stars; one submission).

Conditions:
Nizon-Isidor syndrome. Identifiers: MedGen C5394350, MONDO:0030030, OMIM 618872.

Submission:

Laboratorio de Genetica e Diagnostico Molecular, Hospital Israelita Albert Einstein
Classification: Uncertain significance for Nizon-Isidor syndrome. Last evaluated: 2022-12-22. Review status: criteria provided, single submitter. Criteria: ACMG Guidelines, 2015. Collection method: clinical testing. Allele origin: germline. Affected: yes. Observed: 1 variant allele.
Comment: ACMG classification criteria: PM2 moderated, PP2 supporting, BP4 supporting

NM_001393769.1(MED12L):c.148G>A (p.Ala50Thr)

Gene: MED12L (mediator complex subunit 12L; plus strand). Cytogenetic location: 3q25.1.
Variant type: single nucleotide variant.
Coding change: c.148G>A on transcript NM_001393769.1 (MANE Select); coding-DNA position 148, G replaced by A.
Protein change: p.Ala50Thr; replaces alanine 50 with threonine.
Molecular consequence: missense variant.
Genome position (GRCh38, 1-based): chr3:151,116,386, G>A. VCF-style: chr3-151116386-G-A. GRCh37 (hg19) VCF-style: chr3-150834173-G-A.
Other names: c.148G>A, p.Ala50Thr (NM_053002.6); short protein forms A50T.
Identifiers: ClinVar variation 2431424 (VCV002431424.1), dbSNP rs1712820141, ClinGen allele CA354951774.
Genomic context (GRCh38, chr3:151,116,386, plus strand): 5'-TCTCTTGAACAGGATGAACTTACTGCTGTGAATGTAAAGCAAGGCTTCAATAATCAGCCA[G>A]CCTTCACTGGAGATGAACATGGCTCAGCCAGAAATATTGTAATTAACCCATCAAAGGTAA-3'
Protein context (NP_001380698.1, residues 40-60): NVKQGFNNQP[Ala50Thr]FTGDEHGSAR